The following is an entry in ClinVar:

NM_000211.5(ITGB2):c.203T>G (p.Leu68Arg)

Gene: ITGB2 (integrin subunit beta 2; minus strand). Cytogenetic location: 21q22.3.
Variant type: single nucleotide variant.
Coding change: c.203T>G on transcript NM_000211.5 (MANE Select); coding-DNA position 203, T replaced by G.
Protein change: p.Leu68Arg; replaces leucine 68 with arginine.
Molecular consequence: missense variant. On other transcripts: 5 prime UTR variant (1).
Genome position (GRCh38, 1-based): chr21:44,907,040, A>C on the plus strand (T>G on the coding strand, the complement: ITGB2 is on the minus strand). VCF-style: chr21-44907040-A-C. GRCh37 (hg19) VCF-style: chr21-46326955-A-C.
Other names: c.203T>G, p.Leu68Arg (NM_001127491.3); c.-5T>G (NM_001303238.2); short protein forms L68R.
Identifiers: ClinVar variation 2002371 (VCV002002371.4), dbSNP rs2517153107, ClinGen allele CA410479857.

ClinVar aggregate classification (germline): Uncertain significance (1 of 4 stars; one submission).

Conditions:
Leukocyte adhesion deficiency 1 (LAD1). Also called: LEUKOCYTE ADHESION DEFICIENCY, TYPE I; LAD 1; Lymphocyte function-associated antigen 1 immunodeficiency; LFA 1 immunodeficiency. Identifiers: Orphanet 2968, Orphanet 99842, MedGen C0398738, MONDO:0007293, OMIM 116920.

Submission:

Labcorp Genetics (formerly Invitae), Labcorp
Classification: Uncertain significance for Leukocyte adhesion deficiency 1. Last evaluated: 2022-06-14. Review status: criteria provided, single submitter. Criteria: Invitae Variant Classification Sherloc (09022015). Collection method: clinical testing. Allele origin: germline.
Comment: This sequence change replaces leucine, which is neutral and non-polar, with arginine, which is basic and polar, at codon 68 of the ITGB2 protein (p.Leu68Arg). This variant is not present in population databases (gnomAD no frequency). This variant has not been reported in the literature in individuals affected with ITGB2-related conditions. Algorithms developed to predict the effect of missense changes on protein structure and function (SIFT, PolyPhen-2, Align-GVGD) all suggest that this variant is likely to be disruptive. In summary, the available evidence is currently insufficient to determine the role of this variant in disease. Therefore, it has been classified as a Variant of Uncertain Significance.